The following is an entry in ClinVar:

NM_000093.5(COL5A1):c.5436C>T (p.Ile1812=)

Genes: COL5A1 (collagen type V alpha 1 chain; plus strand), LOC101448202 (uncharacterized LOC101448202; minus strand). Cytogenetic location: 9q34.3.
Variant type: single nucleotide variant.
Coding change: c.5436C>T on transcript NM_000093.5 (MANE Select); coding-DNA position 5436, C replaced by T.
Protein change: p.Ile1812=; no amino-acid change (isoleucine 1812 retained).
Molecular consequence: synonymous variant.
Genome position (GRCh38, 1-based): chr9:134,842,222, C>T. VCF-style: chr9-134842222-C-T. GRCh37 (hg19) VCF-style: chr9-137734068-C-T.
Other names: c.5436C>T, p.Ile1812= (NM_001278074.1).
Identifiers: ClinVar variation 519621 (VCV000519621.18), dbSNP rs140744620, ClinGen allele CA5320748.
Genomic context (GRCh38, chr9:134,842,222, plus strand): 5'-GAAAGGCTACCAGAAGACGGTTCTGGAGATCGACACCCCCAAAGTGGAGCAGGTGCCCAT[C>T]GTGGACATCATGTTCAATGACTTCGGTGAAGCGTCACAGAAATTTGGATTTGAAGTGGGG-3'
Protein context (NP_000084.3, residues 1802-1822): IDTPKVEQVP[Ile1812=]VDIMFNDFGE

ClinVar aggregate classification (germline): Likely benign. Review status: criteria provided, multiple submitters, no conflicts (2 of 4 stars). 3 submissions from 3 submitters: Likely benign (3). Last evaluated 2026-01-27.

Conditions:
Ehlers-Danlos syndrome, classic type, 1 (EDSCL1). Also called: Ehlers-Danlos Syndrome, Classic Type, COL5A1-Related; EDS I; Ehlers-Danlos syndrome, type 1; EHLERS-DANLOS SYNDROME, GRAVIS TYPE; EHLERS-DANLOS SYNDROME, SEVERE CLASSIC TYPE. Identifiers: MedGen C0268335, MONDO:0019567, OMIM 130000.
Familial thoracic aortic aneurysm and aortic dissection (TAAD). Also called: Thoracic aortic aneurysms and dissections. Identifiers: Orphanet 91387, MedGen C4707243, MONDO:0019625.

Allele frequency attached by ClinVar (database versions not stated): ExAC 0.00002; gnomAD 0.00002; TOPMed 0.00003; ESP Exome Variant Server 0.00015.
gnomAD v4.1: 20 of 1,614,088 alleles (0.0012%); highest among the groups gnomAD compares: African/African-American, 0.004%; no homozygotes.

Submissions (3):

Labcorp Genetics (formerly Invitae), Labcorp
Classification: Likely benign for Ehlers-Danlos syndrome, classic type, 1. Last evaluated: 2026-01-27. Review status: criteria provided, single submitter. Criteria: Invitae Variant Classification Sherloc (09022015). Collection method: clinical testing. Allele origin: germline.

GeneDx
Classification: Likely benign. Last evaluated: 2018-04-10. Review status: criteria provided, single submitter. Criteria: GeneDx Variant Classification (06012015). Collection method: clinical testing. Allele origin: germline. Affected: yes.
Comment: This variant is considered likely benign or benign based on one or more of the following criteria: it is a conservative change, it occurs at a poorly conserved position in the protein, it is predicted to be benign by multiple in silico algorithms, and/or has population frequency not consistent with disease.

Ambry Genetics
Classification: Likely benign for Familial thoracic aortic aneurysm and aortic dissection. Last evaluated: 2016-08-08. Review status: criteria provided, single submitter. Criteria: Ambry Variant Classification Scheme 2023. Collection method: clinical testing. Allele origin: germline.